The following is an entry in ClinVar:

NM_000191.3(HMGCL):c.124G>C (p.Asp42His)

Gene: HMGCL (3-hydroxy-3-methylglutaryl-CoA lyase; minus strand). Cytogenetic location: 1p36.11.
Variant type: single nucleotide variant.
Coding change: c.124G>C on transcript NM_000191.3 (MANE Select); coding-DNA position 124, G replaced by C.
Protein change: p.Asp42His; replaces aspartic acid 42 with histidine.
Molecular consequence: missense variant.
Genome position (GRCh38, 1-based): chr1:23,820,530, C>G on the plus strand (G>C on the coding strand, the complement: HMGCL is on the minus strand). VCF-style: chr1-23820530-C-G. GRCh37 (hg19) VCF-style: chr1-24147020-C-G.
Other names: c.124G>C, p.Asp42His (NM_001166059.2); short protein forms D42H.
Identifiers: ClinVar variation 3769428 (VCV003769428.2).

ClinVar aggregate classification (germline): Likely pathogenic (1 of 4 stars; one submission).

Conditions:
Deficiency of hydroxymethylglutaryl-CoA lyase (HMGCLD). Also called: HMG-CoA LYASE DEFICIENCY; Defect in leucine metabolism; 3-hydroxy-3-methylglutaric aciduria; HMGCL DEFICIENCY; HYDROXYMETHYLGLUTARIC ACIDURIA. Identifiers: Orphanet 20, MedGen C1533587, MONDO:0009520, OMIM 246450.

gnomAD v4.1: 1 of 1,613,914 alleles (0.000062%); highest among the groups gnomAD compares: African/African-American, 0.0013%; no homozygotes.

Submission:

Women's Health and Genetics/Laboratory Corporation of America, LabCorp
Classification: Likely pathogenic for Deficiency of hydroxymethylglutaryl-CoA lyase. Last evaluated: 2025-01-31. Review status: criteria provided, single submitter. Criteria: LabCorp Variant Classification Summary - May 2015. Collection method: clinical testing. Allele origin: germline.
Comment: Variant summary: HMGCL c.124G>C (p.Asp42His) results in a non-conservative amino acid change in the encoded protein sequence. Five of five in-silico tools predict a damaging effect of the variant on protein function. The variant was absent in 251490 control chromosomes. c.124G>C has been reported in the literature in at-least one individuals affected with HMG-CoA Lyase Deficiency (example: Mitchell_1998). At least one publication reports experimental evidence evaluating an impact on protein function. The most pronounced variant effect results in <10% of normal activity (example: Mitchell_1998). The following publication havs been ascertained in the context of this evaluation (PMID: 9463337). No submitters have cited clinical-significance assessments for this variant to ClinVar. Based on the evidence outlined above, the variant was classified as likely pathogenic.

Literature cited by the submitters: PubMed 9463337.